The following is an entry in ClinVar:

NM_000282.4(PCCA):c.1846-9G>T

Gene: PCCA (propionyl-CoA carboxylase subunit alpha; plus strand). Cytogenetic location: 13q32.3.
Variant type: single nucleotide variant.
Coding change: c.1846-9G>T on transcript NM_000282.4 (MANE Select); 9 bases into the intron before coding-DNA position 1846, G replaced by T.
Molecular consequence: intron variant.
Genome position (GRCh38, 1-based): chr13:100,449,243, G>T. VCF-style: chr13-100449243-G-T. GRCh37 (hg19) VCF-style: chr13-101101497-G-T.
Other names: p.?; c.1846-9G>T (NM_001178004.2, NM_001352609.2); c.1845+23512G>T (NM_001352605.2); c.1702-9G>T (NM_001352606.2); c.901-9G>T (NM_001352610.2); c.900+23512G>T (NM_001352611.2); c.757-9G>T (NM_001352612.2); c.1768-9G>T (NM_001127692.3, NM_001352607.2); and 1 more.
Identifiers: ClinVar variation 459935 (VCV000459935.18), dbSNP rs141118743, ClinGen allele CA7033814.

ClinVar aggregate classification (germline): Benign/Likely benign. Review status: criteria provided, multiple submitters, no conflicts (2 of 4 stars). 6 submissions from 6 submitters: Benign (3); Likely benign (1). 2 of the submissions do not count toward it. Last evaluated 2026-02-03.

Conditions:
PCCA-related disorder. Also called: PCCA-related condition.
Propionic acidemia (PROP). Also called: GLYCINEMIA, KETOTIC; HYPERGLYCINEMIA WITH KETOACIDOSIS AND LEUKOPENIA; KETOTIC HYPERGLYCINEMIA. Identifiers: Orphanet 35, MedGen C0268579, MONDO:0011628, OMIM 606054, HP:0003571.

Allele frequency attached by ClinVar (database versions not stated): gnomAD exomes 0.00061 and 0.00170; ExAC 0.00351; gnomAD 0.00591 and 0.00627; TOPMed 0.00643; ESP Exome Variant Server 0.00715; 1000 Genomes Project 0.00819; 1000 Genomes Project 30x 0.00921.
gnomAD v4.1: 1,786 of 1,528,776 alleles (0.12%); highest among the groups gnomAD compares: African/African-American, 2%; 18 homozygotes.

Submissions (6):

Labcorp Genetics (formerly Invitae), Labcorp
Classification: Benign for Propionic acidemia. Last evaluated: 2026-02-03. Review status: criteria provided, single submitter. Criteria: Invitae Variant Classification Sherloc (09022015). Collection method: clinical testing. Allele origin: germline.

Mayo Clinic Laboratories, Mayo Clinic
Classification: Benign. Last evaluated: 2023-02-24. Review status: criteria provided, single submitter. Criteria: ACMG Guidelines, 2015. Collection method: clinical testing. Allele origin: germline. Observed: 6 variant alleles.
Comment: BS1, BS2, BP4, BP7

Fulgent Genetics
Classification: Likely benign for Propionic acidemia. Last evaluated: 2021-11-23. Review status: criteria provided, single submitter. Criteria: ACMG Guidelines, 2015. Collection method: clinical testing. Allele origin: unknown.

GeneDx
Classification: Benign. Last evaluated: 2017-04-25. Review status: criteria provided, single submitter. Criteria: GeneDx Variant Classification (06012015). Collection method: clinical testing. Allele origin: germline. Affected: yes.
Comment: This variant is considered likely benign or benign based on one or more of the following criteria: it is a conservative change, it occurs at a poorly conserved position in the protein, it is predicted to be benign by multiple in silico algorithms, and/or has population frequency not consistent with disease.

Natera, Inc.
Classification: Benign for Propionic acidemia. Last evaluated: 2020-09-16. Review status: no assertion criteria provided. Collection method: clinical testing. Allele origin: germline. Not counted in ClinVar's aggregate classification.

PreventionGenetics, part of Exact Sciences
Classification: Benign for PCCA-related condition. Last evaluated: 2019-02-20. Review status: no assertion criteria provided. Collection method: clinical testing. Allele origin: germline. Not counted in ClinVar's aggregate classification.
Comment: This variant is classified as benign based on ACMG/AMP sequence variant interpretation guidelines (Richards et al. 2015 PMID: 25741868, with internal and published modifications).